The following is an entry in ClinVar:

ClinVar aggregate classification (germline): Uncertain significance (1 of 4 stars; one submission).

gnomAD v4.1: 35 of 1,613,204 alleles (0.0022%); highest among the groups gnomAD compares: Non-Finnish European, 0.0022%; no homozygotes.

Submission:

Ambry Genetics
Classification: Uncertain significance. Last evaluated: 2026-04-27. Review status: criteria provided, single submitter. Criteria: Ambry Variant Classification Scheme 2023. Collection method: clinical testing. Allele origin: germline.
Comment: The c.2339C>T (p.T780M) alteration is located in exon 13 (coding exon 10) of the POM121C gene. This alteration results from a C to T substitution at nucleotide position 2339, causing the threonine (T) at amino acid position 780 to be replaced by a methionine (M). Based on data from gnomAD, the T allele has an overall frequency of 0.001% (3/281496) total alleles studied. The highest observed frequency was 0.002% (3/128202) of European (non-Finnish) alleles. Based on insufficient or conflicting evidence, the clinical significance of this alteration remains unclear.

NM_001099415.3(POM121C):c.2339C>T (p.Thr780Met)

Gene: POM121C (POM121 transmembrane nucleoporin C; minus strand). Cytogenetic location: 7q11.23.
Variant type: single nucleotide variant.
Coding change: c.2339C>T on transcript NM_001099415.3 (MANE Select); coding-DNA position 2339, C replaced by T.
Protein change: p.Thr780Met; replaces threonine 780 with methionine.
Molecular consequence: missense variant.
Genome position (GRCh38, 1-based): chr7:75,421,913, G>A on the plus strand (C>T on the coding strand, the complement: POM121C is on the minus strand). VCF-style: chr7-75421913-G-A. GRCh37 (hg19) VCF-style: chr7-75051196-G-A.
Other names: short protein forms T780M.
Identifiers: ClinVar variation 4862363 (VCV004862363.1).